The following is an entry in ClinVar:

ClinVar aggregate classification (germline): Uncertain significance. Review status: criteria provided, multiple submitters, no conflicts (2 of 4 stars). 2 submissions from 2 submitters: Uncertain significance (2). Last evaluated 2024-08-07.

Conditions:
Dyskeratosis congenita. Identifiers: Orphanet 1775, MedGen C0265965, MONDO:0015780.

Submissions (2):

Ambry Genetics
Classification: Uncertain significance for Dyskeratosis congenita. Last evaluated: 2024-08-07. Review status: criteria provided, single submitter. Criteria: Ambry Variant Classification Scheme 2023. Collection method: clinical testing. Allele origin: germline.
Comment: The p.V170L variant (also known as c.508G>C), located in coding exon 2 of the TERT gene, results from a G to C substitution at nucleotide position 508. The valine at codon 170 is replaced by leucine, an amino acid with highly similar properties. This variant was reported in an individual with features consistent with a telomeropathy(Gutierrez-Rodrigues F et al. Genet Med, 2019 Jul;21:1594-1602). This amino acid position is well conserved in available vertebrate species. In addition, the in silico prediction for this alteration is inconclusive. Based on the available evidence, the clinical significance of this variant remains unclear.

GeneDx
Classification: Uncertain significance. Last evaluated: 2021-05-11. Review status: criteria provided, single submitter. Criteria: GeneDx Variant Classification Process June 2021. Collection method: clinical testing. Allele origin: germline. Affected: yes.
Comment: Not observed in large population cohorts (Lek et al., 2016); In silico analysis, which includes protein predictors and evolutionary conservation, supports that this variant does not alter protein structure/function; This variant is associated with the following publications: (PMID: 30523342, 29463756)

Literature cited by the submitters: PubMed 30523342 (cited by Ambry Genetics).

NM_198253.3(TERT):c.508G>C (p.Val170Leu)

Gene: TERT (telomerase reverse transcriptase; minus strand). Cytogenetic location: 5p15.33.
Variant type: single nucleotide variant.
Coding change: c.508G>C on transcript NM_198253.3 (MANE Select); coding-DNA position 508, G replaced by C.
Protein change: p.Val170Leu; replaces valine 170 with leucine.
Molecular consequence: missense variant. On other transcripts: non-coding transcript variant (2).
Genome position (GRCh38, 1-based): chr5:1,294,378, C>G on the plus strand (G>C on the coding strand, the complement: TERT is on the minus strand). VCF-style: chr5-1294378-C-G. GRCh37 (hg19) VCF-style: chr5-1294493-C-G.
Other names: c.508G>C, p.Val170Leu (NM_001193376.3); short protein forms V170L.
Identifiers: ClinVar variation 1191593 (VCV001191593.3), dbSNP rs387907248, ClinGen allele CA359057880.